The following is an entry in ClinVar:

NM_001453.3(FOXC1):c.1022G>A (p.Arg341His)

Gene: FOXC1 (forkhead box C1; plus strand). Cytogenetic location: 6p25.3.
Variant type: single nucleotide variant.
Coding change: c.1022G>A on transcript NM_001453.3 (MANE Select); coding-DNA position 1022, G replaced by A.
Protein change: p.Arg341His; replaces arginine 341 with histidine.
Molecular consequence: missense variant.
Genome position (GRCh38, 1-based): chr6:1,611,467, G>A. VCF-style: chr6-1611467-G-A. GRCh37 (hg19) VCF-style: chr6-1611702-G-A.
Other names: c.1022G>A (NM_001453.2); short protein forms R341H.
Identifiers: ClinVar variation 3013328 (VCV003013328.4), dbSNP rs922922417, ClinGen allele CA362560059.

ClinVar aggregate classification (germline): Uncertain significance. Review status: criteria provided, multiple submitters, no conflicts (2 of 4 stars). 2 submissions from 2 submitters: Uncertain significance (2). Last evaluated 2026-06-24.

Conditions:
Axenfeld-Rieger syndrome type 3 (RIEG3). Also called: AXENFELD-RIEGER ANOMALY WITH CARDIAC DEFECTS AND/OR SENSORINEURAL HEARING LOSS. Identifiers: Orphanet 782, MedGen C2678503, MONDO:0011233, OMIM 602482.
Inborn genetic diseases. Identifiers: MedGen C0950123, MeSH D030342.

Allele frequency attached by ClinVar (database versions not stated): gnomAD exomes 0.00002.

Submissions (2):

Ambry Genetics
Classification: Uncertain significance for Inborn genetic diseases. Last evaluated: 2026-06-24. Review status: criteria provided, single submitter. Criteria: Ambry Variant Classification Scheme 2023. Collection method: clinical testing. Allele origin: germline.

Labcorp Genetics (formerly Invitae), Labcorp
Classification: Uncertain significance for Axenfeld-Rieger syndrome type 3. Last evaluated: 2024-07-29. Review status: criteria provided, single submitter. Criteria: Invitae Variant Classification Sherloc (09022015). Collection method: clinical testing. Allele origin: germline.
Comment: This sequence change replaces arginine, which is basic and polar, with histidine, which is basic and polar, at codon 341 of the FOXC1 protein (p.Arg341His). The frequency data for this variant in the population databases is considered unreliable, as metrics indicate poor data quality at this position in the gnomAD database. This variant has not been reported in the literature in individuals affected with FOXC1-related conditions. An algorithm developed to predict the effect of missense changes on protein structure and function (PolyPhen-2) suggests that this variant is likely to be disruptive. In summary, the available evidence is currently insufficient to determine the role of this variant in disease. Therefore, it has been classified as a Variant of Uncertain Significance.